The following is an entry in ClinVar:

NM_005529.7(HSPG2):c.4021C>T (p.Arg1341Cys)

Gene: HSPG2 (heparan sulfate proteoglycan 2; minus strand). Cytogenetic location: 1p36.12.
Variant type: single nucleotide variant.
Coding change: c.4021C>T on transcript NM_005529.7 (MANE Select); coding-DNA position 4021, C replaced by T.
Protein change: p.Arg1341Cys; replaces arginine 1341 with cysteine.
Molecular consequence: missense variant.
Genome position (GRCh38, 1-based): chr1:21,872,628, G>A on the plus strand (C>T on the coding strand, the complement: HSPG2 is on the minus strand). VCF-style: chr1-21872628-G-A. GRCh37 (hg19) VCF-style: chr1-22199121-G-A.
Other names: c.4024C>T, p.Arg1342Cys (NM_001291860.2); c.4021C>T (NM_005529.6); short protein forms R1342C, R1341C.
Identifiers: ClinVar variation 4272718 (VCV004272718.2).
Genomic context (GRCh38, chr1:21,872,628, plus strand): 5'-AACAGGCAGCAGGTGGCAACACCGCCTGGGGCTGGGCAGCACAGGCTCTCACCAGGTGGC[G>A]TGTGTAGGCAGAGCTGGCGCACTGCTGGGTGATGCCCATACAGAAGCAGGGCAGGCAGCC-3'
Protein context (NP_005520.4, residues 1331-1351): TQQCASSAYT[Arg1341Cys]HLISTHFAPG

ClinVar aggregate classification (germline): Uncertain significance. Review status: criteria provided, multiple submitters, no conflicts (2 of 4 stars). 2 submissions from 2 submitters: Uncertain significance (2). Last evaluated 2026-09-16.

Conditions:
HSPG2-related disorder. Also called: HSPG2-related condition; HSPG2-related disorders.
Inborn genetic diseases. Identifiers: MedGen C0950123, MeSH D030342.

gnomAD v4.1: 40 of 1,587,762 alleles (0.0025%); highest among the groups gnomAD compares: South Asian, 0.0046%; no homozygotes.

Submissions (2):

PreventionGenetics, part of Exact Sciences
Classification: Uncertain significance for HSPG2-related condition. Last evaluated: 2026-09-16. Review status: criteria provided, single submitter. Criteria: ACMG Guidelines, 2015. Collection method: clinical testing. Allele origin: germline.
Comment: The HSPG2 c.4021C>T variant is predicted to result in the amino acid substitution p.Arg1341Cys. To our knowledge, this variant has not been reported in the literature. This variant is reported in 0.0080% of alleles in individuals of African descent in gnomAD. At this time, the clinical significance of this variant is uncertain due to the absence of conclusive functional and genetic evidence.

Ambry Genetics
Classification: Uncertain significance for Inborn genetic diseases. Last evaluated: 2025-08-31. Review status: criteria provided, single submitter. Criteria: Ambry Variant Classification Scheme 2023. Collection method: clinical testing. Allele origin: germline.